The following is an entry in ClinVar:

NM_006206.6(PDGFRA):c.1001A>G (p.His334Arg)

Gene: PDGFRA (platelet derived growth factor receptor alpha; plus strand). Cytogenetic location: 4q12.
Variant type: single nucleotide variant.
Coding change: c.1001A>G on transcript NM_006206.6 (MANE Select); coding-DNA position 1001, A replaced by G.
Protein change: p.His334Arg; replaces histidine 334 with arginine.
Molecular consequence: missense variant.
Genome position (GRCh38, 1-based): chr4:54,267,621, A>G. VCF-style: chr4-54267621-A-G. GRCh37 (hg19) VCF-style: chr4-55133788-A-G.
Other names: c.1001A>G, p.His334Arg (NM_001347827.2, NM_001347829.2); c.1076A>G, p.His359Arg (NM_001347828.2); c.1040A>G, p.His347Arg (NM_001347830.2); short protein forms H347R, H359R, H334R.
Identifiers: ClinVar variation 3416394 (VCV003416394.1).

ClinVar aggregate classification (germline): Uncertain significance (1 of 4 stars; one submission).

Conditions:
Hereditary cancer-predisposing syndrome. Also called: Neoplastic Syndromes, Hereditary; Tumor predisposition; Hereditary Cancer Syndrome; Hereditary neoplastic syndrome. Identifiers: Orphanet 140162, MedGen C0027672, MeSH D009386, MONDO:0015356.

Submission:

Ambry Genetics
Classification: Uncertain significance for Hereditary cancer-predisposing syndrome. Last evaluated: 2024-07-26. Review status: criteria provided, single submitter. Criteria: Ambry Variant Classification Scheme 2023. Collection method: clinical testing. Allele origin: germline.
Comment: The p.H334R variant (also known as c.1001A>G), located in coding exon 6 of the PDGFRA gene, results from an A to G substitution at nucleotide position 1001. The histidine at codon 334 is replaced by arginine, an amino acid with highly similar properties. This amino acid position is conserved. In addition, this alteration is predicted to be tolerated by in silico analysis. Based on the available evidence, the clinical significance of this variant remains unclear.